The following is an entry in ClinVar:

NM_014271.4(IL1RAPL1):c.730C>T (p.Leu244Phe)

Gene: IL1RAPL1 (interleukin 1 receptor accessory protein like 1; plus strand). Cytogenetic location: Xp21.2.
Variant type: single nucleotide variant.
Coding change: c.730C>T on transcript NM_014271.4 (MANE Select); coding-DNA position 730, C replaced by T.
Protein change: p.Leu244Phe; replaces leucine 244 with phenylalanine.
Molecular consequence: missense variant.
Genome position (GRCh38, 1-based): chrX:29,668,456, C>T. VCF-style: chrX-29668456-C-T. GRCh37 (hg19) VCF-style: chrX-29686573-C-T.
Other names: short protein forms L244F.
Identifiers: ClinVar variation 1334713 (VCV001334713.6), dbSNP rs1180304506, ClinGen allele CA412633526.

ClinVar aggregate classification (germline): Uncertain significance. Review status: criteria provided, multiple submitters, no conflicts (2 of 4 stars). 2 submissions from 2 submitters: Uncertain significance (2). Last evaluated 2024-07-18.

Allele frequency attached by ClinVar (database versions not stated): gnomAD exomes 0.00001.
gnomAD v4.1: 1 of 1,209,270 alleles (0.000083%); no homozygotes.

Submissions (2):

Labcorp Genetics (formerly Invitae), Labcorp
Classification: Uncertain significance. Last evaluated: 2024-07-18. Review status: criteria provided, single submitter. Criteria: Invitae Variant Classification Sherloc (09022015). Collection method: clinical testing. Allele origin: germline.
Comment: This sequence change replaces leucine, which is neutral and non-polar, with phenylalanine, which is neutral and non-polar, at codon 244 of the IL1RAPL1 protein (p.Leu244Phe). This variant is present in population databases (no rsID available, gnomAD no frequency). This variant has not been reported in the literature in individuals affected with IL1RAPL1-related conditions. ClinVar contains an entry for this variant (Variation ID: 1334713). An algorithm developed to predict the effect of missense changes on protein structure and function (PolyPhen-2) suggests that this variant is likely to be tolerated. In summary, the available evidence is currently insufficient to determine the role of this variant in disease. Therefore, it has been classified as a Variant of Uncertain Significance.

Greenwood Genetic Center Diagnostic Laboratories, Greenwood Genetic Center
Classification: Uncertain significance. Last evaluated: 2021-12-30. Review status: criteria provided, single submitter. Criteria: ACMG Guidelines, 2015. Collection method: clinical testing. Allele origin: germline. Affected: yes.
Comment: BP4, PM2